The following is an entry in ClinVar:

ClinVar aggregate classification (germline): Uncertain significance (1 of 4 stars; one submission).

Conditions:
T-B+ severe combined immunodeficiency due to JAK3 deficiency. Also called: SCID, T CELL-NEGATIVE, B CELL-POSITIVE, NK CELL-NEGATIVE; SCID, autosomal recessive, T-negative/B-positive type. Identifiers: Orphanet 35078, MedGen C1833275, MONDO:0010938, OMIM 600802.

Submission:

Labcorp Genetics (formerly Invitae), Labcorp
Classification: Uncertain significance for T-B+ severe combined immunodeficiency due to JAK3 deficiency. Last evaluated: 2022-10-05. Review status: criteria provided, single submitter. Criteria: Invitae Variant Classification Sherloc (09022015). Collection method: clinical testing. Allele origin: germline.
Comment: This variant has not been reported in the literature in individuals affected with JAK3-related conditions. This variant is not present in population databases (gnomAD no frequency). This sequence change replaces aspartic acid, which is acidic and polar, with asparagine, which is neutral and polar, at codon 200 of the JAK3 protein (p.Asp200Asn). In summary, the available evidence is currently insufficient to determine the role of this variant in disease. Therefore, it has been classified as a Variant of Uncertain Significance. Advanced modeling of protein sequence and biophysical properties (such as structural, functional, and spatial information, amino acid conservation, physicochemical variation, residue mobility, and thermodynamic stability) performed at Invitae indicates that this missense variant is not expected to disrupt JAK3 protein function.

NM_000215.4(JAK3):c.598G>A (p.Asp200Asn)

Gene: JAK3 (Janus kinase 3; minus strand). Cytogenetic location: 19p13.11.
Variant type: single nucleotide variant.
Coding change: c.598G>A on transcript NM_000215.4 (MANE Select); coding-DNA position 598, G replaced by A.
Protein change: p.Asp200Asn; replaces aspartic acid 200 with asparagine.
Molecular consequence: missense variant.
Genome position (GRCh38, 1-based): chr19:17,842,579, C>T on the plus strand (G>A on the coding strand, the complement: JAK3 is on the minus strand). VCF-style: chr19-17842579-C-T. GRCh37 (hg19) VCF-style: chr19-17953388-C-T.
Other names: short protein forms D200N.
Identifiers: ClinVar variation 2107284 (VCV002107284.4), dbSNP rs2514576181, ClinGen allele CA404772872.